The following is an entry in ClinVar:

NM_015338.6(ASXL1):c.1621dup (p.Arg541fs)

Gene: ASXL1 (ASXL transcriptional regulator 1; plus strand). Cytogenetic location: 20q11.21.
Variant type: Duplication.
Coding change: c.1621dup on transcript NM_015338.6 (MANE Select); coding-DNA position 1621, one base duplicated (C; older notation c.1621dupC).
Protein change: p.Arg541fs; shifts the reading frame from arginine 541.
Molecular consequence: frameshift variant.
Genome position (GRCh38, 1-based): chr20:32,433,819, C duplicated; the last of 4 consecutive C bases (chr20:32,433,816-32,433,819); duplicating any one gives the same sequence. VCF-style (leftmost placement, unchanged base first): chr20-32433815-G-GC. GRCh37 (hg19) VCF-style: chr20-31021618-G-GC.
Other names: c.1438dup, p.Arg480fs (NM_001363734.1); short protein forms R480fs, R541fs.
Identifiers: ClinVar variation 3382327 (VCV003382327.2).

ClinVar aggregate classification (germline): Likely pathogenic (1 of 4 stars; one submission).

Conditions:
Bohring-Opitz syndrome. Also called: C-LIKE SYNDROME; BOHRING SYNDROME; OPITZ TRIGONOCEPHALY-LIKE SYNDROME; ASXL1-Related Bohring-Opitz Syndrome. Identifiers: Orphanet 97297, MedGen C0796232, MONDO:0011510, OMIM 605039.

Submission:

Juno Genomics, Hangzhou Juno Genomics, Inc
Classification: Likely pathogenic for Bohring-Opitz syndrome. Review status: criteria provided, single submitter. Criteria: ACMG Guidelines, 2015. Collection method: clinical testing. Allele origin: germline. Affected: yes.
Comment: Absent from controls (or at extremely low frequency if recessive) in Genome Aggregation Database, Exome Sequencing Project, 1000 Genomes Project, or Exome Aggregation Consortium.;Null variant in a gene where loss of function (LOF) is a known mechanism of disease.